The following is an entry in ClinVar:

NM_057175.5(NAA15):c.997T>C (p.Tyr333His)

Gene: NAA15 (N-alpha-acetyltransferase 15, NatA auxiliary subunit; plus strand). Cytogenetic location: 4q31.1.
Variant type: single nucleotide variant.
Coding change: c.997T>C on transcript NM_057175.5 (MANE Select); coding-DNA position 997, T replaced by C.
Protein change: p.Tyr333His; replaces tyrosine 333 with histidine.
Molecular consequence: missense variant.
Genome position (GRCh38, 1-based): chr4:139,351,594, T>C. VCF-style: chr4-139351594-T-C. GRCh37 (hg19) VCF-style: chr4-140272748-T-C.
Other names: c.997T>C (NM_057175.3); short protein forms Y333H.
Identifiers: ClinVar variation 1341793 (VCV001341793.6), dbSNP rs1747780138, ClinGen allele CA358261613.
Genomic context (GRCh38, chr4:139,351,594, plus strand): 5'-TTCCTAAGGATGAATTTCAGCAAGGGTTGCCCACCAGTCTTCAATACTTTAAGATCATTA[T>C]ACAAAGACAAAGAAAAGGTAAAGTGAAATATGATACTTTCTTTTGGCTACCATTTCTTTG-3'
Protein context (NP_476516.1, residues 323-343): PPVFNTLRSL[Tyr333His]KDKEKVAIIE

ClinVar aggregate classification (germline): Uncertain significance. Review status: criteria provided, multiple submitters, no conflicts (2 of 4 stars). 4 submissions from 4 submitters: Uncertain significance (4). Last evaluated 2024-10-04.

Conditions:
Intellectual developmental disorder, autosomal dominant 50, with behavioral abnormalities. Also called: MENTAL RETARDATION, AUTOSOMAL DOMINANT 50; Intellectual disability, autosomal dominant 50. Identifiers: MedGen C4540470, MONDO:0030916, OMIM 617787.
Inborn genetic diseases. Identifiers: MedGen C0950123, MeSH D030342.

Allele frequency attached by ClinVar (database versions not stated): TOPMed 0.00001.

Submissions (4):

Ambry Genetics
Classification: Uncertain significance for Inborn genetic diseases. Last evaluated: 2024-10-04. Review status: criteria provided, single submitter. Criteria: Ambry Variant Classification Scheme 2023. Collection method: clinical testing. Allele origin: germline.
Comment: The c.997T>C (p.Y333H) alteration is located in exon 9 (coding exon 9) of the NAA15 gene. This alteration results from a T to C substitution at nucleotide position 997, causing the tyrosine (Y) at amino acid position 333 to be replaced by a histidine (H). This variant was not reported in population-based cohorts in the Genome Aggregation Database (gnomAD). This amino acid position is highly conserved in available vertebrate species. This alteration is predicted to be deleterious by in silico analysis. Based on insufficient or conflicting evidence, the clinical significance of this alteration remains unclear.

Labcorp Genetics (formerly Invitae), Labcorp
Classification: Uncertain significance. Last evaluated: 2024-08-14. Review status: criteria provided, single submitter. Criteria: Invitae Variant Classification Sherloc (09022015). Collection method: clinical testing. Allele origin: germline.
Comment: This sequence change replaces tyrosine, which is neutral and polar, with histidine, which is basic and polar, at codon 333 of the NAA15 protein (p.Tyr333His). This variant is not present in population databases (gnomAD no frequency). This variant has not been reported in the literature in individuals affected with NAA15-related conditions. ClinVar contains an entry for this variant (Variation ID: 1341793). An algorithm developed to predict the effect of missense changes on protein structure and function (PolyPhen-2) suggests that this variant is likely to be disruptive. In summary, the available evidence is currently insufficient to determine the role of this variant in disease. Therefore, it has been classified as a Variant of Uncertain Significance.

Women's Health and Genetics/Laboratory Corporation of America, LabCorp
Classification: Uncertain significance. Last evaluated: 2024-02-27. Review status: criteria provided, single submitter. Criteria: LabCorp Variant Classification Summary - May 2015. Collection method: clinical testing. Allele origin: germline.
Comment: Variant summary: NAA15 c.997T>C (p.Tyr333His) results in a conservative amino acid change in the encoded protein sequence. Four of five in-silico tools predict a damaging effect of the variant on protein function. The variant was absent in 247320 control chromosomes. The available data on variant occurrences in the general population are insufficient to allow any conclusion about variant significance. To our knowledge, no occurrence of c.997T>C in individuals affected with Intellectual Disability, Autosomal Dominant 50 and no experimental evidence demonstrating its impact on protein function have been reported. ClinVar contains an entry for this variant (Variation ID: 1341793). Based on the evidence outlined above, the variant was classified as uncertain significance.

New York Genome Center
Classification: Uncertain significance for Intellectual developmental disorder, autosomal dominant 50, with behavioral abnormalities. Last evaluated: 2021-01-29. Review status: criteria provided, single submitter. Criteria: NYGC Assertion Criteria 2020. Collection method: clinical testing. Allele origin: inherited. Observed: 1 heterozygote. Study: CSER-NYCKidSeq.